The following is an entry in ClinVar:

NM_000352.6(ABCC8):c.4372C>G (p.Gln1458Glu)

Gene: ABCC8 (ATP binding cassette subfamily C member 8; minus strand). Cytogenetic location: 11p15.1.
Variant type: single nucleotide variant.
Coding change: c.4372C>G on transcript NM_000352.6 (MANE Select); coding-DNA position 4372, C replaced by G.
Protein change: p.Gln1458Glu; replaces glutamine 1458 with glutamic acid.
Molecular consequence: missense variant. On other transcripts: non-coding transcript variant (1).
Genome position (GRCh38, 1-based): chr11:17,395,211, G>C on the plus strand (C>G on the coding strand, the complement: ABCC8 is on the minus strand). VCF-style: chr11-17395211-G-C. GRCh37 (hg19) VCF-style: chr11-17416758-G-C.
Other names: c.4375C>G, p.Gln1459Glu (NM_001287174.3); c.4438C>G, p.Gln1480Glu (NM_001351295.2); c.4372C>G, p.Gln1458Glu (NM_001351296.2); c.4369C>G, p.Gln1457Glu (NM_001351297.2); short protein forms Q1458E, Q1480E, Q1457E, Q1459E.
Identifiers: ClinVar variation 1506203 (VCV001506203.6), dbSNP rs2133398414, ClinGen allele CA379785326.

ClinVar aggregate classification (germline): Pathogenic (1 of 4 stars; one submission).

Submission:

Labcorp Genetics (formerly Invitae), Labcorp
Classification: Pathogenic. Last evaluated: 2023-09-12. Review status: criteria provided, single submitter. Criteria: Invitae Variant Classification Sherloc (09022015). Collection method: clinical testing. Allele origin: germline.
Comment: ClinVar contains an entry for this variant (Variation ID: 1506203). This missense change has been observed in individual(s) with autosomal dominant congenital hyperinsulinism (PMID: 21674179; Invitae). In at least one individual the variant was observed to be de novo. This variant is not present in population databases (gnomAD no frequency). This sequence change replaces glutamine, which is neutral and polar, with glutamic acid, which is acidic and polar, at codon 1458 of the ABCC8 protein (p.Gln1458Glu). Advanced modeling of protein sequence and biophysical properties (such as structural, functional, and spatial information, amino acid conservation, physicochemical variation, residue mobility, and thermodynamic stability) performed at Invitae indicates that this missense variant is expected to disrupt ABCC8 protein function. For these reasons, this variant has been classified as Pathogenic. This variant disrupts the p.Gln1458 amino acid residue in ABCC8. Other variant(s) that disrupt this residue have been determined to be pathogenic (PMID: 21536946). This suggests that this residue is clinically significant, and that variants that disrupt this residue are likely to be disease-causing. Experimental studies have shown that this missense change affects ABCC8 function (PMID: 21674179).

Literature cited by the submitters: PubMed 21674179; PubMed 21536946.